The following is an entry in ClinVar:

ClinVar aggregate classification (germline): Likely pathogenic. Review status: criteria provided, multiple submitters, no conflicts (2 of 4 stars). 2 submissions from 2 submitters: Likely pathogenic (2). Last evaluated 2025-07-14.

Allele frequency attached by ClinVar (database versions not stated): gnomAD exomes below 0.00001.
gnomAD v4.1: 1 of 1,608,376 alleles (0.000062%); highest among the groups gnomAD compares: Non-Finnish European, 0.000085%; no homozygotes.

Submissions (2):

Labcorp Genetics (formerly Invitae), Labcorp
Classification: Likely pathogenic. Last evaluated: 2025-07-14. Review status: criteria provided, single submitter. Criteria: Invitae Variant Classification Sherloc (09022015). Collection method: clinical testing. Allele origin: germline.
Comment: This sequence change replaces serine, which is neutral and polar, with glycine, which is neutral and non-polar, at codon 728 of the ABCA4 protein (p.Ser728Gly). This variant is not present in population databases (gnomAD no frequency). This variant has not been reported in the literature in individuals affected with ABCA4-related conditions. ClinVar contains an entry for this variant (Variation ID: 417983). Invitae Evidence Modeling of protein sequence and biophysical properties (such as structural, functional, and spatial information, amino acid conservation, physicochemical variation, residue mobility, and thermodynamic stability) indicates that this missense variant is expected to disrupt ABCA4 protein function with a positive predictive value of 95%. This variant disrupts the p.Ser728 amino acid residue in ABCA4. Other variant(s) that disrupt this residue have been determined to be pathogenic (PMID: 32531858). This suggests that this residue is clinically significant, and that variants that disrupt this residue are likely to be disease-causing. In summary, the currently available evidence indicates that the variant is pathogenic, but additional data are needed to prove that conclusively. Therefore, this variant has been classified as Likely Pathogenic.

GeneDx
Classification: Likely pathogenic. Last evaluated: 2013-08-05. Review status: criteria provided, single submitter. Criteria: GeneDx Variant Classification (06012015). Collection method: clinical testing. Allele origin: germline. Affected: yes.
Comment: The S728G missense change in the ABCA4 gene has not been reported as a pathogenic variant or as a benign polymorphism, to our knowledge. The S728G amino acid substitution is non-conservative with a polar residue (Ser) being replaced by a non-polar residue (Gly). The residue at which this substitution occurs is conserved in the ABCR protein. According to the Human Gene Mutation Database (HGMD), other missense mutations (T716M and L725I) in nearby residues have been reported as disease-causing mutations (Stenson, 2009). The S728G variant was not observed in approximately 6,500 individuals of European and African American ancestry in an external database, indicating it is not a common benign variant in these populations. Therefore, the S728G missense change is a strong candidate for a pathogenic variant, although the possibility that it is a benign polymorphism cannot be completely excluded.

Literature cited by the submitters: PubMed 32531858 (cited by Labcorp Genetics (formerly Invitae), Labcorp).

NM_000350.3(ABCA4):c.2182A>G (p.Ser728Gly)

Gene: ABCA4 (ATP binding cassette subfamily A member 4; minus strand). Cytogenetic location: 1p22.1.
Variant type: single nucleotide variant.
Coding change: c.2182A>G on transcript NM_000350.3 (MANE Select); coding-DNA position 2182, A replaced by G.
Protein change: p.Ser728Gly; replaces serine 728 with glycine.
Molecular consequence: missense variant.
Genome position (GRCh38, 1-based): chr1:94,056,801, T>C on the plus strand (A>G on the coding strand, the complement: ABCA4 is on the minus strand). VCF-style: chr1-94056801-T-C. GRCh37 (hg19) VCF-style: chr1-94522357-T-C.
Other names: short protein forms S728G.
Identifiers: ClinVar variation 417983 (VCV000417983.3), dbSNP rs1064793007, ClinGen allele CA16617210.